The following is an entry in ClinVar:

NM_020745.4(AARS2):c.1564C>T (p.Pro522Ser)

Gene: AARS2 (alanyl-tRNA synthetase 2, mitochondrial; minus strand). Cytogenetic location: 6p21.1.
Variant type: single nucleotide variant.
Coding change: c.1564C>T on transcript NM_020745.4 (MANE Select); coding-DNA position 1564, C replaced by T.
Protein change: p.Pro522Ser; replaces proline 522 with serine.
Molecular consequence: missense variant.
Genome position (GRCh38, 1-based): chr6:44,305,069, G>A on the plus strand (C>T on the coding strand, the complement: AARS2 is on the minus strand). VCF-style: chr6-44305069-G-A. GRCh37 (hg19) VCF-style: chr6-44272806-G-A.
Other names: short protein forms P522S.
Identifiers: ClinVar variation 1376535 (VCV001376535.9), dbSNP rs943891187, ClinGen allele CA138389562.
Genomic context (GRCh38, chr6:44,305,069, plus strand): 5'-TGGTCAGGCAAGCTTGTGGCGGCAGGCCTTGGTCCAGGCTCTCACCATAACTTCCGCTGG[G>A]TCGCAGGGAGTAGTTGTACTTGGGGCTGTCGTCAGTTGGGGGCACTCCTTGGCGCTGCAG-3'
Protein context (NP_065796.2, residues 512-532): DSPKYNYSLR[Pro522Ser]SGSYEFGTCE

ClinVar aggregate classification (germline): Uncertain significance (1 of 4 stars; one submission).

Allele frequency attached by ClinVar (database versions not stated): TOPMed 0.00002; gnomAD exomes 0.00003.
gnomAD v4.1: 40 of 1,614,102 alleles (0.0025%); highest among the groups gnomAD compares: Non-Finnish European, 0.0032%; no homozygotes.

Submission:

Labcorp Genetics (formerly Invitae), Labcorp
Classification: Uncertain significance. Last evaluated: 2021-05-14. Review status: criteria provided, single submitter. Criteria: Invitae Variant Classification Sherloc (09022015). Collection method: clinical testing. Allele origin: germline.
Comment: In summary, the available evidence is currently insufficient to determine the role of this variant in disease. Therefore, it has been classified as a Variant of Uncertain Significance. Advanced modeling of protein sequence and biophysical properties (such as structural, functional, and spatial information, amino acid conservation, physicochemical variation, residue mobility, and thermodynamic stability) performed at Invitae indicates that this missense variant is not expected to disrupt AARS2 protein function. This variant has not been reported in the literature in individuals with AARS2-related conditions. This variant is not present in population databases (ExAC no frequency). This sequence change replaces proline with serine at codon 522 of the AARS2 protein (p.Pro522Ser). The proline residue is moderately conserved and there is a moderate physicochemical difference between proline and serine.